The following is an entry in ClinVar:

ClinVar aggregate classification (germline): Likely pathogenic (1 of 4 stars; one submission).

Conditions:
Familial thoracic aortic aneurysm and aortic dissection (TAAD). Also called: Thoracic aortic aneurysms and dissections. Identifiers: Orphanet 91387, MedGen C4707243, MONDO:0019625.
Marfan syndrome (MFS). Also called: FBN1-Related Marfan Syndrome; Marfan syndrome type 1; Marfan's syndrome; Marfan syndrome, classic; MARFAN SYNDROME, TYPE I. Identifiers: Orphanet 284963, Orphanet 558, MedGen C0024796, MONDO:0007947, OMIM 154700.

Submission:

Labcorp Genetics (formerly Invitae), Labcorp
Classification: Likely pathogenic for Marfan syndrome; Familial thoracic aortic aneurysm and aortic dissection. Last evaluated: 2018-05-09. Review status: criteria provided, single submitter. Criteria: Invitae Variant Classification Sherloc (09022015). Collection method: clinical testing. Allele origin: germline.
Comment: In summary, the currently available evidence indicates that the variant is pathogenic, but additional data are needed to prove that conclusively. Therefore, this variant has been classified as Likely Pathogenic. This variant affects a cysteine residue located within an epidermal-growth-factor (EGF)–like domain of the FBN1 protein. Cysteine residues in these domains have been shown to be involved in the formation of disulfide bridges, which are critical for FBN1 protein structure and stability (PMID: 10486319, 3495735, 4750422, 16677079). In addition, missense substitutions within the FBN1 EGF-like domains affecting cysteine residues are significantly overrepresented among patients with Marfan syndrome (PMID: 16571647, 17701892). Algorithms developed to predict the effect of missense changes on protein structure and function (SIFT, PolyPhen-2, Align-GVGD) all suggest that this variant is likely to be disruptive, but these predictions have not been confirmed by published functional studies and their clinical significance is uncertain. This variant has been observed in an individual affected with Marfan syndrome (PMID: 27906200). This variant is not present in population databases (ExAC no frequency). This sequence change replaces cysteine with phenylalanine at codon 769 of the FBN1 protein (p.Cys769Phe). The cysteine residue is highly conserved and there is a large physicochemical difference between cysteine and phenylalanine.

Literature cited by the submitters: PubMed 10486319; PubMed 3495735; PubMed 4750422; PubMed 16677079; PubMed 16571647; PubMed 17701892; PubMed 27906200.

NM_000138.5(FBN1):c.2306G>T (p.Cys769Phe)

Gene: FBN1 (fibrillin 1; minus strand). Cytogenetic location: 15q21.1.
Variant type: single nucleotide variant.
Coding change: c.2306G>T on transcript NM_000138.5 (MANE Select); coding-DNA position 2306, G replaced by T.
Protein change: p.Cys769Phe; replaces cysteine 769 with phenylalanine.
Molecular consequence: missense variant.
Genome position (GRCh38, 1-based): chr15:48,496,213, C>A on the plus strand (G>T on the coding strand, the complement: FBN1 is on the minus strand). VCF-style: chr15-48496213-C-A. GRCh37 (hg19) VCF-style: chr15-48788410-C-A.
Other names: short protein forms C769F.
Identifiers: ClinVar variation 571004 (VCV000571004.8), dbSNP rs794728190, ClinGen allele CA392335534.